The following is an entry in ClinVar:

ClinVar aggregate classification (germline): Uncertain significance (1 of 4 stars; one submission).

Conditions:
Emery-Dreifuss muscular dystrophy 5, autosomal dominant (EDMD5). Also called: EMERY-DREIFUSS MUSCULAR DYSTROPHY 5. Identifiers: Orphanet 261, MedGen C2751805, MONDO:0013072, OMIM 612999.

gnomAD v4.1: 8 of 1,612,524 alleles (0.0005%); highest among the groups gnomAD compares: Middle Eastern, 0.019%; no homozygotes.

Submission:

Labcorp Genetics (formerly Invitae), Labcorp
Classification: Uncertain significance for Emery-Dreifuss muscular dystrophy 5, autosomal dominant. Last evaluated: 2025-03-27. Review status: criteria provided, single submitter. Criteria: Invitae Variant Classification Sherloc (09022015). Collection method: clinical testing. Allele origin: germline.
Comment: This sequence change replaces alanine, which is neutral and non-polar, with valine, which is neutral and non-polar, at codon 775 of the SYNE2 protein (p.Ala775Val). This variant is present in population databases (rs760216860, gnomAD 0.0009%). This variant has not been reported in the literature in individuals affected with SYNE2-related conditions. An algorithm developed to predict the effect of missense changes on protein structure and function (PolyPhen-2) suggests that this variant is likely to be disruptive. In summary, the available evidence is currently insufficient to determine the role of this variant in disease. Therefore, it has been classified as a Variant of Uncertain Significance.

NM_182914.3(SYNE2):c.2324C>T (p.Ala775Val)

Gene: SYNE2 (spectrin repeat containing nuclear envelope protein 2; plus strand). Cytogenetic location: 14q23.2.
Variant type: single nucleotide variant.
Coding change: c.2324C>T on transcript NM_182914.3 (MANE Select); coding-DNA position 2324, C replaced by T.
Protein change: p.Ala775Val; replaces alanine 775 with valine.
Molecular consequence: missense variant.
Genome position (GRCh38, 1-based): chr14:63,990,421, C>T. VCF-style: chr14-63990421-C-T. GRCh37 (hg19) VCF-style: chr14-64457139-C-T.
Other names: c.2324C>T, p.Ala775Val (NM_015180.6); short protein forms A775V.
Identifiers: ClinVar variation 4809226 (VCV004809226.1).